The following is an entry in ClinVar:

NM_025179.4(PLXNA2):c.3938C>T (p.Pro1313Leu)

Gene: PLXNA2 (plexin A2; minus strand). Cytogenetic location: 1q32.2.
Variant type: single nucleotide variant.
Coding change: c.3938C>T on transcript NM_025179.4 (MANE Select); coding-DNA position 3938, C replaced by T.
Protein change: p.Pro1313Leu; replaces proline 1313 with leucine.
Molecular consequence: missense variant.
Genome position (GRCh38, 1-based): chr1:208,043,140, G>A on the plus strand (C>T on the coding strand, the complement: PLXNA2 is on the minus strand). VCF-style: chr1-208043140-G-A. GRCh37 (hg19) VCF-style: chr1-208216485-G-A.
Other names: short protein forms P1313L.
Identifiers: ClinVar variation 4984128 (VCV004984128.1).

ClinVar aggregate classification (germline): Uncertain significance (1 of 4 stars; one submission).

Conditions:
PLXNA2-related disorder. Also called: PLXNA2-related condition.

gnomAD v4.1: 17 of 1,614,196 alleles (0.0011%); highest among the groups gnomAD compares: Non-Finnish European, 0.0014%; no homozygotes.

Submission:

PreventionGenetics, part of Exact Sciences
Classification: Uncertain significance for PLXNA2-related condition. Last evaluated: 2026-09-15. Review status: criteria provided, single submitter. Criteria: ACMG Guidelines, 2015. Collection method: clinical testing. Allele origin: germline.
Comment: The PLXNA2 c.3938C>T variant is predicted to result in the amino acid substitution p.Pro1313Leu. To our knowledge, this variant has not been reported in the literature. This variant is reported in 0.0035% of alleles in individuals of European (Non-Finnish) descent in gnomAD. At this time, the clinical significance of this variant is uncertain due to the absence of conclusive functional and genetic evidence.